The following is an entry in ClinVar:

NM_000535.7(PMS2):c.2007-3C>T

Gene: PMS2 (PMS1 homolog 2, mismatch repair system component; minus strand). Cytogenetic location: 7p22.1.
Variant type: single nucleotide variant.
Coding change: c.2007-3C>T on transcript NM_000535.7 (MANE Select); 3 bases into the intron before coding-DNA position 2007, C replaced by T.
Molecular consequence: intron variant.
Genome position (GRCh38, 1-based): chr7:5,982,994, G>A on the plus strand (C>T on the coding strand, the complement: PMS2 is on the minus strand). VCF-style: chr7-5982994-G-A. GRCh37 (hg19) VCF-style: chr7-6022625-G-A.
Other names: c.1689-3C>T (NM_001322008.2, NM_001322007.2); c.1446-3C>T (NM_001322010.2); c.1602-3C>T (NM_001322004.2, NM_001322003.2, NM_001322009.2 and 1 more transcripts); c.1434-3C>T (NM_001322013.2); c.1074-3C>T (NM_001322012.2, NM_001322011.2); c.1698-3C>T (NM_001322015.2); c.1851-3C>T (NM_001322006.2); c.2007-3C>T (NM_001322014.2).
Identifiers: ClinVar variation 1784332 (VCV001784332.8), dbSNP rs1416969857, ClinGen allele CA840186029.

ClinVar aggregate classification (germline): Conflicting classifications of pathogenicity. Review status: criteria provided, conflicting classifications (1 of 4 stars). 4 submissions from 4 submitters: Uncertain significance (3); Likely benign (1). Last evaluated 2024-08-06.

Conditions:
Hereditary nonpolyposis colorectal neoplasms. Identifiers: MedGen C0009405, MeSH D003123.
Hereditary cancer-predisposing syndrome. Also called: Neoplastic Syndromes, Hereditary; Tumor predisposition; Hereditary Cancer Syndrome; Hereditary neoplastic syndrome. Identifiers: Orphanet 140162, MedGen C0027672, MeSH D009386, MONDO:0015356.
Lynch syndrome. Identifiers: Orphanet 144, MedGen C4552100, MONDO:0005835. Disease mechanism: loss of function.

Allele frequency attached by ClinVar (database versions not stated): TOPMed 0.00002.

Submissions (4):

Hema, HEMA – Genetic and Molecular Diagnostic Laboratory
Classification: Uncertain significance for Lynch syndrome. Last evaluated: 2024-08-06. Review status: criteria provided, single submitter. Criteria: HEMA Variant Classification Assertion Criteria. Collection method: clinical testing. Allele origin: germline.
Comment: It is a transition of cytosine to thymine at position -3 of intron 11 of the PMS2 gene. PM2_Supporting: Present at very low frequency in gnomAD. BP4: According to the splicing predictor SpliceAI, the variant does not affect splicing (Δscore = 0.05 ≤ 0.10).

Labcorp Genetics (formerly Invitae), Labcorp
Classification: Uncertain significance for Hereditary nonpolyposis colorectal neoplasms. Last evaluated: 2024-07-01. Review status: criteria provided, single submitter. Criteria: Invitae Variant Classification Sherloc (09022015). Collection method: clinical testing. Allele origin: germline.
Comment: This sequence change falls in intron 11 of the PMS2 gene. It does not directly change the encoded amino acid sequence of the PMS2 protein. It affects a nucleotide within the consensus splice site. The frequency data for this variant in the population databases (gnomAD) is considered unreliable due to the presence of homologous sequence, such as pseudogenes or paralogs, in the genome. This variant has not been reported in the literature in individuals affected with PMS2-related conditions. ClinVar contains an entry for this variant (Variation ID: 1784332). Variants that disrupt the consensus splice site are a relatively common cause of aberrant splicing (PMID: 17576681, 9536098). Algorithms developed to predict the effect of sequence changes on RNA splicing suggest that this variant is not likely to affect RNA splicing. In summary, the available evidence is currently insufficient to determine the role of this variant in disease. Therefore, it has been classified as a Variant of Uncertain Significance.

Ambry Genetics
Classification: Uncertain significance for Hereditary cancer-predisposing syndrome. Last evaluated: 2023-09-02. Review status: criteria provided, single submitter. Criteria: Ambry Variant Classification Scheme 2023. Collection method: clinical testing. Allele origin: germline.
Comment: The c.2007-3C>T intronic variant results from a C to T substitution 3 nucleotides upstream from coding exon 12 in the PMS2 gene. This nucleotide position is well conserved in available vertebrate species. In silico splice site analysis predicts that this alteration will not have any significant effect on splicing. Since supporting evidence is limited at this time, the clinical significance of this alteration remains unclear.

Color Diagnostics, LLC DBA Color Health
Classification: Likely benign for Hereditary cancer-predisposing syndrome. Last evaluated: 2022-11-08. Review status: criteria provided, single submitter. Criteria: ACMG Guidelines, 2015. Collection method: clinical testing. Allele origin: germline.

Literature cited by the submitters: PubMed 17576681 (cited by Labcorp Genetics (formerly Invitae), Labcorp); PubMed 9536098 (cited by Labcorp Genetics (formerly Invitae), Labcorp).